The following is an entry in ClinVar:

NM_002303.6(LEPR):c.968G>A (p.Ser323Asn)

Gene: LEPR (leptin receptor; plus strand). Cytogenetic location: 1p31.3.
Variant type: single nucleotide variant.
Coding change: c.968G>A on transcript NM_002303.6 (MANE Select); coding-DNA position 968, G replaced by A.
Protein change: p.Ser323Asn; replaces serine 323 with asparagine.
Molecular consequence: missense variant.
Genome position (GRCh38, 1-based): chr1:65,598,778, G>A. VCF-style: chr1-65598778-G-A. GRCh37 (hg19) VCF-style: chr1-66064461-G-A.
Other names: c.968G>A, p.Ser323Asn (NM_001003679.3, NM_001003680.3, NM_001198687.2 and 2 more transcripts); short protein forms S323N.
Identifiers: ClinVar variation 3357239 (VCV003357239.2).
Genomic context (GRCh38, chr1:65,598,778, plus strand): 5'-CGTATGAGGTTCAGGTGAGGGGCAAGAGACTGGATGGCCCAGGAATCTGGAGTGACTGGA[G>A]TACTCCTCGTGTCTTTACCACACAAGGTAGGTTATGTAATAGCCACTTCTACTGGGAGGG-3'
Protein context (NP_002294.2, residues 313-333): LDGPGIWSDW[Ser323Asn]TPRVFTTQDV

ClinVar aggregate classification (germline): Uncertain significance (1 of 4 stars; one submission).

Conditions:
LEPR-related disorder. Also called: LEPR-related disorders; LEPR-related condition.

gnomAD v4.1: 1 of 1,613,376 alleles (0.000062%); highest among the groups gnomAD compares: Admixed American, 0.0017%; no homozygotes.

Submission:

PreventionGenetics, part of Exact Sciences
Classification: Uncertain significance for LEPR-related condition. Last evaluated: 2025-07-29. Review status: criteria provided, single submitter. Criteria: ACMG Guidelines, 2015. Collection method: clinical testing. Allele origin: germline.
Comment: The LEPR c.968G>A variant is predicted to result in the amino acid substitution p.Ser323Asn. To our knowledge, this variant has not been reported in the literature or in a large population database (gnomAD), indicating this variant is rare. At this time, the clinical significance of this variant is uncertain due to the absence of conclusive functional and genetic evidence.